The following is an entry in ClinVar:

ClinVar aggregate classification (germline): Uncertain significance. Review status: criteria provided, multiple submitters, no conflicts (2 of 4 stars). 2 submissions from 2 submitters: Uncertain significance (2). Last evaluated 2022-03-10.

Conditions:
Hereditary cancer-predisposing syndrome. Also called: Neoplastic Syndromes, Hereditary; Tumor predisposition; Hereditary Cancer Syndrome; Hereditary neoplastic syndrome. Identifiers: Orphanet 140162, MedGen C0027672, MeSH D009386, MONDO:0015356.
Familial cancer of breast. Also called: BREAST CANCER, FAMILIAL; Hereditary breast cancer; hereditary breast carcinoma. Identifiers: Orphanet 227535, MedGen C0346153, MONDO:0016419, OMIM 114480. Disease mechanism: loss of function.

Submissions (2):

Labcorp Genetics (formerly Invitae), Labcorp
Classification: Uncertain significance for Familial cancer of breast. Last evaluated: 2022-03-10. Review status: criteria provided, single submitter. Criteria: Invitae Variant Classification Sherloc (09022015). Collection method: clinical testing. Allele origin: germline.
Comment: In summary, the available evidence is currently insufficient to determine the role of this variant in disease. Therefore, it has been classified as a Variant of Uncertain Significance. Algorithms developed to predict the effect of missense changes on protein structure and function output the following: SIFT: "Tolerated"; PolyPhen-2: "Possibly Damaging"; Align-GVGD: "Class C0". The asparagine amino acid residue is found in multiple mammalian species, which suggests that this missense change does not adversely affect protein function. This variant has not been reported in the literature in individuals affected with PALB2-related conditions. This variant is not present in population databases (gnomAD no frequency). This sequence change replaces lysine, which is basic and polar, with asparagine, which is neutral and polar, at codon 569 of the PALB2 protein (p.Lys569Asn).

Ambry Genetics
Classification: Uncertain significance for Hereditary cancer-predisposing syndrome. Last evaluated: 2021-01-04. Review status: criteria provided, single submitter. Criteria: Ambry Variant Classification Scheme 2023. Collection method: clinical testing. Allele origin: germline.
Comment: The p.K569N variant (also known as c.1707A>C), located in coding exon 5 of the PALB2 gene, results from an A to C substitution at nucleotide position 1707. The lysine at codon 569 is replaced by asparagine, an amino acid with similar properties. This amino acid position is well conserved in available vertebrate species. In addition, this alteration is predicted to be tolerated by in silico analysis. Since supporting evidence is limited at this time, the clinical significance of this alteration remains unclear.

NM_024675.4(PALB2):c.1707A>C (p.Lys569Asn)

Gene: PALB2 (partner and localizer of BRCA2; minus strand). Cytogenetic location: 16p12.2.
Variant type: single nucleotide variant.
Coding change: c.1707A>C on transcript NM_024675.4 (MANE Select); coding-DNA position 1707, A replaced by C.
Protein change: p.Lys569Asn; replaces lysine 569 with asparagine.
Molecular consequence: missense variant.
Genome position (GRCh38, 1-based): chr16:23,630,447, T>G on the plus strand (A>C on the coding strand, the complement: PALB2 is on the minus strand). VCF-style: chr16-23630447-T-G. GRCh37 (hg19) VCF-style: chr16-23641768-T-G.
Other names: c.1647A>C, p.Lys549Asn (NM_001407296.1); c.1707A>C, p.Lys569Asn (NM_001407297.1, NM_001407298.1, NM_001407299.1 and 3 more transcripts); c.822A>C, p.Lys274Asn (NM_001407304.1, NM_001407305.1, NM_001407306.1 and 5 more transcripts); c.-82A>C (NM_001407312.1, NM_001407313.1); short protein forms K549N, K569N, K274N.
Identifiers: ClinVar variation 1778465 (VCV001778465.7), dbSNP rs2506439250, ClinGen allele CA395128422.